The following is an entry in ClinVar:

NM_001382241.1(TNPO2):c.1276A>T (p.Met426Leu)

Gene: TNPO2 (transportin 2; minus strand). Cytogenetic location: 19p13.13.
Variant type: single nucleotide variant.
Coding change: c.1276A>T on transcript NM_001382241.1 (MANE Select); coding-DNA position 1276, A replaced by T.
Protein change: p.Met426Leu; replaces methionine 426 with leucine.
Molecular consequence: missense variant. On other transcripts: non-coding transcript variant (6).
Genome position (GRCh38, 1-based): chr19:12,706,790, T>A on the plus strand (A>T on the coding strand, the complement: TNPO2 is on the minus strand). VCF-style: chr19-12706790-T-A. GRCh37 (hg19) VCF-style: chr19-12817604-T-A.
Other names: c.1276A>T, p.Met426Leu (NM_001136195.2, NM_001136196.2, NM_001382236.1 and 7 more transcripts); short protein forms M426L.
Identifiers: ClinVar variation 3772305 (VCV003772305.13).

ClinVar aggregate classification (germline): Uncertain significance (1 of 4 stars; one submission).

Submission:

CeGaT Center for Human Genetics Tuebingen
Classification: Uncertain significance. Last evaluated: 2025-01-01. Review status: criteria provided, single submitter. Criteria: CeGaT Center For Human Genetics Tuebingen Variant Classification Criteria Version 2. Collection method: clinical testing. Allele origin: germline. Affected: yes. Observed: 1 variant allele.
Comment: TNPO2: PM2, PP2